The following is an entry in ClinVar:

ClinVar aggregate classification (germline): Likely benign (1 of 4 stars; one submission).

Submission:

CeGaT Center for Human Genetics Tuebingen
Classification: Likely benign. Last evaluated: 2022-10-01. Review status: criteria provided, single submitter. Criteria: CeGaT Center For Human Genetics Tuebingen Variant Classification Criteria Version 2. Collection method: clinical testing. Allele origin: germline. Affected: yes. Observed: 1 variant allele.
Comment: ZNF865: PM2:Supporting, BP4, BP7

NM_001195605.2(ZNF865):c.633C>T (p.Gly211=)

Gene: ZNF865 (zinc finger protein 865; plus strand). Cytogenetic location: 19q13.42.
Variant type: single nucleotide variant.
Coding change: c.633C>T on transcript NM_001195605.2 (MANE Select); coding-DNA position 633, C replaced by T.
Protein change: p.Gly211=; no amino-acid change (glycine 211 retained).
Molecular consequence: synonymous variant.
Genome position (GRCh38, 1-based): chr19:55,614,251, C>T. VCF-style: chr19-55614251-C-T. GRCh37 (hg19) VCF-style: chr19-56125617-C-T.
Identifiers: ClinVar variation 2650535 (VCV002650535.24), dbSNP rs2514126343, ClinGen allele CA509213342.
Genomic context (GRCh38, chr19:55,614,251, plus strand): 5'-GCAGACCCCGCCAGGACCCCCCGCGGCGGCGGCCTGCGACCCCACCAAGGACGACAAGGG[C>T]TACTTCCGGAGACTGAAGTACCTGATGGAGCGGCGCTTCCCCTGCGGCGTGTGCCAGAAG-3'
Protein context (NP_001182534.1, residues 201-221): AACDPTKDDK[Gly211=]YFRRLKYLME